The following is an entry in ClinVar:

ClinVar aggregate classification (germline): Uncertain significance. Review status: criteria provided, multiple submitters, no conflicts (2 of 4 stars). 2 submissions from 2 submitters: Uncertain significance (2). Last evaluated 2025-04-16.

Conditions:
Inborn genetic diseases. Identifiers: MedGen C0950123, MeSH D030342.

Allele frequency attached by ClinVar (database versions not stated): ExAC 0.00002; gnomAD exomes 0.00003 and 0.00006; TOPMed 0.00006; gnomAD 0.00009.

Submissions (2):

Labcorp Genetics (formerly Invitae), Labcorp
Classification: Uncertain significance. Last evaluated: 2025-04-16. Review status: criteria provided, single submitter. Criteria: Invitae Variant Classification Sherloc (09022015). Collection method: clinical testing. Allele origin: germline.
Comment: This sequence change replaces valine, which is neutral and non-polar, with methionine, which is neutral and non-polar, at codon 482 of the P3H2 protein (p.Val482Met). This variant is present in population databases (rs754396355, gnomAD 0.006%). This variant has not been reported in the literature in individuals affected with P3H2-related conditions. ClinVar contains an entry for this variant (Variation ID: 1038209). Invitae Evidence Modeling of protein sequence and biophysical properties (such as structural, functional, and spatial information, amino acid conservation, physicochemical variation, residue mobility, and thermodynamic stability) indicates that this missense variant is not expected to disrupt P3H2 protein function with a negative predictive value of 80%. In summary, the available evidence is currently insufficient to determine the role of this variant in disease. Therefore, it has been classified as a Variant of Uncertain Significance.

Ambry Genetics
Classification: Uncertain significance for Inborn genetic diseases. Last evaluated: 2022-11-21. Review status: criteria provided, single submitter. Criteria: Ambry Variant Classification Scheme 2023. Collection method: clinical testing. Allele origin: germline.

NM_018192.4(P3H2):c.1444G>A (p.Val482Met)

Gene: P3H2 (prolyl 3-hydroxylase 2; minus strand). Cytogenetic location: 3q28.
Variant type: single nucleotide variant.
Coding change: c.1444G>A on transcript NM_018192.4 (MANE Select); coding-DNA position 1444, G replaced by A.
Protein change: p.Val482Met; replaces valine 482 with methionine.
Molecular consequence: missense variant.
Genome position (GRCh38, 1-based): chr3:189,974,566, C>T on the plus strand (G>A on the coding strand, the complement: P3H2 is on the minus strand). VCF-style: chr3-189974566-C-T. GRCh37 (hg19) VCF-style: chr3-189692355-C-T.
Other names: c.901G>A, p.Val301Met (NM_001134418.2); c.1444G>A (NM_018192.3); short protein forms V482M, V301M.
Identifiers: ClinVar variation 1038209 (VCV001038209.5), dbSNP rs754396355, ClinGen allele CA2752927.